The following is an entry in ClinVar:

ClinVar aggregate classification (germline): Uncertain significance (1 of 4 stars; one submission).

Conditions:
Familial encephalopathy with neuroserpin inclusion bodies. Also called: ENCEPHALOPATHY, FAMILIAL, WITH COLLINS BODIES. Identifiers: Orphanet 85110, MedGen C1858680, MONDO:0011412, OMIM 604218.

Allele frequency attached by ClinVar (database versions not stated): gnomAD 0.00001; gnomAD exomes 0.00002; TOPMed 0.00002.
gnomAD v4.1: 26 of 1,614,044 alleles (0.0016%); highest among the groups gnomAD compares: Non-Finnish European, 0.0019%; no homozygotes.

Submission:

Labcorp Genetics (formerly Invitae), Labcorp
Classification: Uncertain significance for Familial encephalopathy with neuroserpin inclusion bodies. Last evaluated: 2024-06-04. Review status: criteria provided, single submitter. Criteria: Invitae Variant Classification Sherloc (09022015). Collection method: clinical testing. Allele origin: germline.
Comment: This sequence change replaces alanine, which is neutral and non-polar, with serine, which is neutral and polar, at codon 56 of the SERPINI1 protein (p.Ala56Ser). This variant is not present in population databases (gnomAD no frequency). This variant has not been reported in the literature in individuals affected with SERPINI1-related conditions. ClinVar contains an entry for this variant (Variation ID: 466612). Advanced modeling of protein sequence and biophysical properties (such as structural, functional, and spatial information, amino acid conservation, physicochemical variation, residue mobility, and thermodynamic stability) performed at Invitae indicates that this missense variant is not expected to disrupt SERPINI1 protein function with a negative predictive value of 80%. In summary, the available evidence is currently insufficient to determine the role of this variant in disease. Therefore, it has been classified as a Variant of Uncertain Significance.

NM_001122752.2(SERPINI1):c.166G>T (p.Ala56Ser)

Gene: SERPINI1 (serpin family I member 1; plus strand). Cytogenetic location: 3q26.1.
Variant type: single nucleotide variant.
Coding change: c.166G>T on transcript NM_001122752.2 (MANE Select); coding-DNA position 166, G replaced by T.
Protein change: p.Ala56Ser; replaces alanine 56 with serine.
Molecular consequence: missense variant.
Genome position (GRCh38, 1-based): chr3:167,789,294, G>T. VCF-style: chr3-167789294-G-T. GRCh37 (hg19) VCF-style: chr3-167507082-G-T.
Other names: c.166G>T, p.Ala56Ser (NM_005025.5); short protein forms A56S.
Identifiers: ClinVar variation 466612 (VCV000466612.6), dbSNP rs1050971384, ClinGen allele CA87835651.